The following is an entry in ClinVar:

NM_001372044.2(SHANK3):c.2765C>T (p.Ala922Val)

Gene: SHANK3 (SH3 and multiple ankyrin repeat domains 3; plus strand). Cytogenetic location: 22q13.33.
Variant type: single nucleotide variant.
Coding change: c.2765C>T on transcript NM_001372044.2 (MANE Select); coding-DNA position 2765, C replaced by T.
Protein change: p.Ala922Val; replaces alanine 922 with valine.
Molecular consequence: missense variant.
Genome position (GRCh38, 1-based): chr22:50,720,373, C>T. VCF-style: chr22-50720373-C-T. GRCh37 (hg19) VCF-style: chr22-51158801-C-T.
Other names: c.2540C>T (NM_033517.1); short protein forms A922V.
Identifiers: ClinVar variation 3354019 (VCV003354019.1).
Genomic context (GRCh38, chr22:50,720,373, plus strand): 5'-CCTACTACTTCGACTCGGGGCCGCCCCCGGCCTTCTCGCCGCCGCCCCCGCCGGGCCGCG[C>T]CTACGACACGGTGCGCTCCAGCTTCAAGCCCGGCCTGGAGGCGCGCCTGGGCGCGGGCGC-3'
Protein context (NP_001358973.1, residues 912-932): AFSPPPPPGR[Ala922Val]YDTVRSSFKP

ClinVar aggregate classification (germline): Uncertain significance (0 of 4 stars; one submission).

Conditions:
SHANK3-related disorder. Also called: SHANK3-related condition.

Submission:

PreventionGenetics, part of Exact Sciences
Classification: Uncertain significance for SHANK3-related condition. Last evaluated: 2024-07-03. Review status: no assertion criteria provided. Collection method: clinical testing. Allele origin: germline.
Comment: The SHANK3 c.2540C>T variant is predicted to result in the amino acid substitution p.Ala847Val. To our knowledge, this variant has not been reported in the literature or in a large population database, indicating this variant is rare. At this time, the clinical significance of this variant is uncertain due to the absence of conclusive functional and genetic evidence.